The following is an entry in ClinVar:

NM_001142800.2(EYS):c.6409C>T (p.Arg2137Cys)

Gene: EYS (EGF-like photoreceptor maintenance factor; minus strand). Cytogenetic location: 6q12.
Variant type: single nucleotide variant.
Coding change: c.6409C>T on transcript NM_001142800.2 (MANE Select); coding-DNA position 6409, C replaced by T.
Protein change: p.Arg2137Cys; replaces arginine 2137 with cysteine.
Molecular consequence: missense variant.
Genome position (GRCh38, 1-based): chr6:64,230,607, G>A on the plus strand (C>T on the coding strand, the complement: EYS is on the minus strand). VCF-style: chr6-64230607-G-A. GRCh37 (hg19) VCF-style: chr6-64940500-G-A.
Other names: c.6409C>T, p.Arg2137Cys (NM_001292009.2); short protein forms R2137C.
Identifiers: ClinVar variation 859118 (VCV000859118.7), dbSNP rs763862423, ClinGen allele CA3876922.

ClinVar aggregate classification (germline): Uncertain significance. Review status: criteria provided, multiple submitters, no conflicts (2 of 4 stars). 4 submissions from 4 submitters: Uncertain significance (3). 1 of the submissions does not count toward it. Last evaluated 2024-11-20.

Conditions:
Inborn genetic diseases. Identifiers: MedGen C0950123, MeSH D030342.
Autosomal recessive retinitis pigmentosa. Identifiers: MedGen C0339526.

Allele frequency attached by ClinVar (database versions not stated): gnomAD exomes 0.00003 and 0.00009; ExAC 0.00005; TOPMed 0.00006; gnomAD 0.00007.
gnomAD v4.1: 140 of 1,545,574 alleles (0.0091%); highest among the groups gnomAD compares: Non-Finnish European, 0.011%; no homozygotes.

Submissions (4):

Blueprint Genetics
Classification: Uncertain significance. Last evaluated: 2024-11-20. Review status: criteria provided, single submitter. Criteria: ACMG Guidelines, 2015. Collection method: clinical testing. Allele origin: germline.

Labcorp Genetics (formerly Invitae), Labcorp
Classification: Uncertain significance. Last evaluated: 2024-01-24. Review status: criteria provided, single submitter. Criteria: Invitae Variant Classification Sherloc (09022015). Collection method: clinical testing. Allele origin: germline.
Comment: This sequence change replaces arginine, which is basic and polar, with cysteine, which is neutral and slightly polar, at codon 2137 of the EYS protein (p.Arg2137Cys). This variant is present in population databases (rs763862423, gnomAD 0.01%). This variant has not been reported in the literature in individuals affected with EYS-related conditions. ClinVar contains an entry for this variant (Variation ID: 859118). Algorithms developed to predict the effect of missense changes on protein structure and function output the following: SIFT: "Not Available"; PolyPhen-2: "Probably Damaging"; Align-GVGD: "Not Available". The cysteine amino acid residue is found in multiple mammalian species, which suggests that this missense change does not adversely affect protein function. In summary, the available evidence is currently insufficient to determine the role of this variant in disease. Therefore, it has been classified as a Variant of Uncertain Significance.

Ambry Genetics
Classification: Uncertain significance for Inborn genetic diseases. Last evaluated: 2021-10-26. Review status: criteria provided, single submitter. Criteria: Ambry Variant Classification Scheme 2023. Collection method: clinical testing. Allele origin: germline.

Natera, Inc.
Classification: Uncertain significance for Autosomal recessive retinitis pigmentosa. Last evaluated: 2020-09-16. Review status: no assertion criteria provided. Collection method: clinical testing. Allele origin: germline. Not counted in ClinVar's aggregate classification.